The following is an entry in ClinVar:

NM_001145358.2(SIN3A):c.20A>C (p.Asp7Ala)

Gene: SIN3A (SIN3 transcription regulator family member A; minus strand). Cytogenetic location: 15q24.2.
Variant type: single nucleotide variant.
Coding change: c.20A>C on transcript NM_001145358.2 (MANE Select); coding-DNA position 20, A replaced by C.
Protein change: p.Asp7Ala; replaces aspartic acid 7 with alanine.
Molecular consequence: missense variant.
Genome position (GRCh38, 1-based): chr15:75,430,356, T>G on the plus strand (A>C on the coding strand, the complement: SIN3A is on the minus strand). VCF-style: chr15-75430356-T-G. GRCh37 (hg19) VCF-style: chr15-75722697-T-G.
Other names: c.20A>C, p.Asp7Ala (NM_001145357.2, NM_015477.3); short protein forms D7A.
Identifiers: ClinVar variation 3392713 (VCV003392713.2).

ClinVar aggregate classification (germline): Uncertain significance (1 of 4 stars; one submission).

gnomAD v4.1: 3 of 1,612,138 alleles (0.00019%); highest among the groups gnomAD compares: African/African-American, 0.004%; no homozygotes.

Submission:

GeneDx
Classification: Uncertain significance. Last evaluated: 2026-06-22. Review status: criteria provided, single submitter. Criteria: GeneDx Variant Classification Process June 2021. Collection method: clinical testing. Allele origin: germline.
Comment: Not observed at significant frequency in large population cohorts (gnomAD); In silico analysis supports that this missense variant has a deleterious effect on protein structure/function; Has not been previously published as pathogenic or benign to our knowledge